The following is an entry in ClinVar:

ClinVar aggregate classification (germline): Pathogenic/Likely pathogenic. Review status: criteria provided, multiple submitters, no conflicts (2 of 4 stars). 4 submissions from 4 submitters: Pathogenic (2); Likely pathogenic (1). 1 of the submissions does not count toward it. Last evaluated 2024-08-26.

Conditions:
KINSSHIP syndrome. Also called: MESOMELIC DYSPLASIA, STEICHEN-GERSDORF TYPE; MESOMELIC DYSPLASIA, AFF3-RELATED. Identifiers: MedGen C5543317, MONDO:0851095, OMIM 619297.

Submissions (4):

Revvity Omics, Revvity
Classification: Pathogenic for KINSSHIP syndrome. Last evaluated: 2024-08-26. Review status: criteria provided, single submitter. Criteria: ACMG Guidelines, 2015. Collection method: clinical testing. Allele origin: germline.

Fulgent Genetics
Classification: Likely pathogenic for KINSSHIP syndrome. Last evaluated: 2022-05-29. Review status: criteria provided, single submitter. Criteria: ACMG Guidelines, 2015. Collection method: clinical testing. Allele origin: unknown.

GeneDx
Classification: Pathogenic. Last evaluated: 2021-12-04. Review status: criteria provided, single submitter. Criteria: GeneDx Variant Classification Process June 2021. Collection method: clinical testing. Allele origin: germline. Affected: yes.
Comment: In silico analysis supports that this missense variant has a deleterious effect on protein structure/function; Not observed at significant frequency in large population cohorts (gnomAD); Has not been previously published as pathogenic or benign to our knowledge; This variant is associated with the following publications: (PMID: 33961779)

OMIM
Classification: Pathogenic for KINSSHIP SYNDROME. Last evaluated: 2021-05-11. Review status: no assertion criteria provided. Collection method: literature only. Allele origin: germline. Not counted in ClinVar's aggregate classification.

Literature cited by the submitters: PubMed 33961779 (cited by OMIM).

NM_001386135.1(AFF3):c.698C>T (p.Ala233Val)

Gene: AFF3 (ALF transcription elongation factor 3; minus strand). Cytogenetic location: 2q11.2.
Variant type: single nucleotide variant.
Coding change: c.698C>T on transcript NM_001386135.1 (MANE Select); coding-DNA position 698, C replaced by T.
Protein change: p.Ala233Val; replaces alanine 233 with valine.
Molecular consequence: missense variant.
Genome position (GRCh38, 1-based): chr2:100,006,807, G>A on the plus strand (C>T on the coding strand, the complement: AFF3 is on the minus strand). VCF-style: chr2-100006807-G-A. GRCh37 (hg19) VCF-style: chr2-100623269-G-A.
Other names: c.773C>T, p.Ala258Val (NM_001025108.2); c.698C>T, p.Ala233Val (NM_002285.3); short protein forms A258V, A233V.
Identifiers: ClinVar variation 1077076 (VCV001077076.6), dbSNP rs2104734977, ClinGen allele CA347963758.